The following is an entry in ClinVar:

ClinVar aggregate classification (germline): Uncertain significance. Review status: criteria provided, multiple submitters, no conflicts (2 of 4 stars). 2 submissions from 2 submitters: Uncertain significance (2). Last evaluated 2021-03-26.

Conditions:
Charcot-Marie-Tooth disease axonal type 2O. Also called: Charcot-Marie-Tooth disease, axonal, type 20; CHARCOT-MARIE-TOOTH NEUROPATHY, AXONAL, TYPE 2O; CHARCOT-MARIE-TOOTH DISEASE, AXONAL, AUTOSOMAL DOMINANT, TYPE 2O; Charcot-Marie-Tooth Neuropathy Type 2O. Identifiers: Orphanet 284232, MedGen C3280220, MONDO:0013644, OMIM 614228.

gnomAD v4.1: 1 of 1,613,268 alleles (0.000062%); highest among the groups gnomAD compares: Non-Finnish European, 0.000085%; no homozygotes.

Submissions (2):

Labcorp Genetics (formerly Invitae), Labcorp
Classification: Uncertain significance for Charcot-Marie-Tooth disease axonal type 2O. Last evaluated: 2021-03-26. Review status: criteria provided, single submitter. Criteria: Invitae Variant Classification Sherloc (09022015). Collection method: clinical testing. Allele origin: germline.
Comment: In summary, the available evidence is currently insufficient to determine the role of this variant in disease. Therefore, it has been classified as a Variant of Uncertain Significance. This sequence change replaces glutamic acid with lysine at codon 4454 of the DYNC1H1 protein (p.Glu4454Lys). The glutamic acid residue is highly conserved and there is a small physicochemical difference between glutamic acid and lysine. This variant is not present in population databases (ExAC no frequency). This variant has not been reported in the literature in individuals with DYNC1H1-related conditions. ClinVar contains an entry for this variant (Variation ID: 425059). Advanced modeling of protein sequence and biophysical properties (such as structural, functional, and spatial information, amino acid conservation, physicochemical variation, residue mobility, and thermodynamic stability) performed at Invitae indicates that this missense variant is not expected to disrupt DYNC1H1 protein function.

CeGaT Center for Human Genetics Tuebingen
Classification: Uncertain significance. Last evaluated: 2016-11-01. Review status: criteria provided, single submitter. Criteria: CeGaT Center For Human Genetics Tuebingen Variant Classification Criteria Version 2. Collection method: clinical testing. Allele origin: germline. Affected: yes. Observed: 1 variant allele.

NM_001376.5(DYNC1H1):c.13360G>A (p.Glu4454Lys)

Gene: DYNC1H1 (dynein cytoplasmic 1 heavy chain 1; plus strand). Cytogenetic location: 14q32.31.
Variant type: single nucleotide variant.
Coding change: c.13360G>A on transcript NM_001376.5 (MANE Select); coding-DNA position 13360, G replaced by A.
Protein change: p.Glu4454Lys; replaces glutamic acid 4454 with lysine.
Molecular consequence: missense variant.
Genome position (GRCh38, 1-based): chr14:102,048,657, G>A. VCF-style: chr14-102048657-G-A. GRCh37 (hg19) VCF-style: chr14-102514994-G-A.
Other names: short protein forms E4454K.
Identifiers: ClinVar variation 425059 (VCV000425059.49), dbSNP rs1064797194, ClinGen allele CA16621667.
Genomic context (GRCh38, chr14:102,048,657, plus strand): 5'-GTCGTCCAGGTGTGCGAAGGAAAGAAGAAGCAGACCAACTACTTGCGCACGCTGATCAAC[G>A]AGCTAGTGAAAGGTGCGTGAGAGGCCGAACTCGTGGTGTGGCTTCCGGCGGGCACCTTGG-3'
Protein context (NP_001367.2, residues 4444-4464): QTNYLRTLIN[Glu4454Lys]LVKGILPRSW